The following is an entry in ClinVar:

ClinVar aggregate classification (germline): Uncertain significance. Review status: criteria provided, multiple submitters, no conflicts (2 of 4 stars). 2 submissions from 2 submitters: Uncertain significance (2). Last evaluated 2025-11-08.

Conditions:
Hereditary cancer-predisposing syndrome. Also called: Neoplastic Syndromes, Hereditary; Hereditary Cancer Syndrome; Tumor predisposition; Hereditary neoplastic syndrome. Identifiers: Orphanet 140162, MedGen C0027672, MeSH D009386, MONDO:0015356.

Allele frequency attached by ClinVar (database versions not stated): gnomAD exomes below 0.00001.
gnomAD v4.1: 2 of 1,613,254 alleles (0.00012%); highest among the groups gnomAD compares: Non-Finnish European, 0.000085%; no homozygotes.

Submissions (2):

Ambry Genetics
Classification: Uncertain significance for Hereditary cancer-predisposing syndrome. Last evaluated: 2025-11-08. Review status: criteria provided, single submitter. Criteria: Ambry Variant Classification Scheme 2023. Collection method: clinical testing. Allele origin: germline.

Labcorp Genetics (formerly Invitae), Labcorp
Classification: Uncertain significance. Last evaluated: 2024-10-18. Review status: criteria provided, single submitter. Criteria: Invitae Variant Classification Sherloc (09022015). Collection method: clinical testing. Allele origin: germline.
Comment: This sequence change replaces proline, which is neutral and non-polar, with arginine, which is basic and polar, at codon 81 of the NTHL1 protein (p.Pro81Arg). This variant is present in population databases (no rsID available, gnomAD 0.0009%). This variant has not been reported in the literature in individuals affected with NTHL1-related conditions. ClinVar contains an entry for this variant (Variation ID: 971343). An algorithm developed to predict the effect of missense changes on protein structure and function outputs the following: PolyPhen-2: "Benign". The arginine amino acid residue is found in multiple mammalian species, which suggests that this missense change does not adversely affect protein function. In summary, the available evidence is currently insufficient to determine the role of this variant in disease. Therefore, it has been classified as a Variant of Uncertain Significance.

NM_002528.7(NTHL1):c.218C>G (p.Pro73Arg)

Gene: NTHL1 (nth like DNA glycosylase 1; minus strand). Cytogenetic location: 16p13.3.
Variant type: single nucleotide variant.
Coding change: c.218C>G on transcript NM_002528.7 (MANE Select); coding-DNA position 218, C replaced by G.
Protein change: p.Pro73Arg; replaces proline 73 with arginine.
Molecular consequence: missense variant. On other transcripts: intron variant (1).
Genome position (GRCh38, 1-based): chr16:2,046,264, G>C on the plus strand (C>G on the coding strand, the complement: NTHL1 is on the minus strand). VCF-style: chr16-2046264-G-C. GRCh37 (hg19) VCF-style: chr16-2096265-G-C.
Other names: c.218C>G, p.Pro73Arg (NM_001318193.2); c.24+16C>G (NM_001318194.2); short protein forms P73R.
Identifiers: ClinVar variation 971343 (VCV000971343.11), dbSNP rs1326931608, ClinGen allele CA394297459.